The following is an entry in ClinVar:

ClinVar aggregate classification (germline): Uncertain significance. Review status: criteria provided, multiple submitters, no conflicts (2 of 4 stars). 7 submissions from 7 submitters: Uncertain significance (7). Last evaluated 2026-06-23.

Conditions:
Camptodactyly-tall stature-scoliosis-hearing loss syndrome. Also called: CATSHL SYNDROME. Identifiers: Orphanet 85164, MedGen C1864852, MONDO:0012504, OMIM 610474.
FGFR3-related chondrodysplasia. Identifiers: Orphanet 93420, MedGen C5681604, MONDO:0019685.
FGFR3-related disorder. Also called: FGFR3-related disorders.

Submissions (7):

Genomenon, Inc
Classification: Uncertain significance for FGFR3-related chondrodysplasia. Last evaluated: 2026-06-23. Review status: criteria provided, single submitter. Criteria: Genomenon Sequence Variant Interpretation Standards - Updated. Collection method: curation. Allele origin: germline. Affected: yes.
Comment: FGFR3 c.445+2_445+5del is a deletion that affects the donor splice site of intron 4. This variant has been observed in at least one proband with an FGFR3-related disorder (PMID:35527416). It is absent or not present at a significant frequency in gnomAD. In conclusion, we classify FGFR3 c.445+2_445+5del as a variant of uncertain significance.

Labcorp Genetics (formerly Invitae), Labcorp
Classification: Uncertain significance. Last evaluated: 2025-10-15. Review status: criteria provided, single submitter. Criteria: Invitae Variant Classification Sherloc (09022015). Collection method: clinical testing. Allele origin: germline.
Comment: This sequence change affects a splice site in intron 4 of the FGFR3 gene. It is expected to disrupt RNA splicing. Variants that disrupt the donor or acceptor splice site typically lead to a loss of protein function (PMID: 16199547), however the current clinical and genetic evidence is not sufficient to establish whether loss-of-function variants in FGFR3 cause disease. This variant is present in population databases (rs756854039, gnomAD 0.02%). Disruption of this splice site has been observed in individual(s) with clinical features of FGFR3-related conditions (PMID: 28252636). ClinVar contains an entry for this variant (Variation ID: 533894). Algorithms developed to predict the effect of sequence changes on RNA splicing suggest that this variant may disrupt the consensus splice site. In summary, the available evidence is currently insufficient to determine the role of this variant in disease. Therefore, it has been classified as a Variant of Uncertain Significance.

PreventionGenetics, part of Exact Sciences
Classification: Uncertain significance for FGFR3-related condition. Last evaluated: 2025-06-12. Review status: criteria provided, single submitter. Criteria: ACMG Guidelines, 2015. Collection method: clinical testing. Allele origin: germline.
Comment: The FGFR3 c.445+2_445+5delTAGG variant is predicted to result in a deletion affecting a canonical splice site. This variant is predicted to result in the loss of the canonical splice donor site (SpliceAI, Jaganathan et al. 2019. PubMed ID: 30661751). This variant was reported along with a potentially causative variant in a different gene in an individual from an exome sequencing cohort without description of clinical features (Baldridge et al. 2017. PubMed ID: 28252636) This variant has also been reported in two individuals with neuroblastoma or rhabdomyosarcoma (Table S2, Kim et al. 2021. PubMed ID: 34308104). This variant is reported in 0.020% of alleles in individuals of South Asian descent in gnomAD, including 118 heterozygotes in the gnomAD v4.1.0 database. At this time, the clinical significance of this variant is uncertain due to the absence of conclusive functional and genetic evidence.

Revvity Omics, Revvity
Classification: Uncertain significance. Last evaluated: 2023-11-15. Review status: criteria provided, single submitter. Criteria: ACMG Guidelines, 2015. Collection method: clinical testing. Allele origin: germline.

GeneDx
Classification: Uncertain significance. Last evaluated: 2023-09-25. Review status: criteria provided, single submitter. Criteria: GeneDx Variant Classification Process June 2021. Collection method: clinical testing. Allele origin: germline. Affected: yes.
Comment: Identified along with a variant in the ARID1B gene in a patient with Coffin-Siris syndrome in published literature (Baldridge et al., 2017); Canonical splice site variant in a gene or region of a gene for which loss of function is not a well-established mechanism of disease; This variant is associated with the following publications: (PMID: 28252636, 34308104)

Diagnostics Services (NGS), CSIR - Centre For Cellular And Molecular Biology
Classification: Uncertain significance for Camptodactyly-tall stature-scoliosis-hearing loss syndrome. Last evaluated: 2022-08-09. Review status: criteria provided, single submitter. Criteria: ACMG Guidelines, 2015. Collection method: clinical testing. Allele origin: unknown. Affected: yes. Observed: 1 variant allele, 1 heterozygote.
Comment: The c.444_445+2delAGGT variant is not present in publicly available population databases like 1000 Genomes or in our in-house exome database.. The variant is present in EVS, ExAC, gnomAD and Indian Exome Database at low frequency. The variant is located at the exon 4-intron 4 splice junction and is expected to affect splicing. Similar splice-site variant at the intron 4 (NM_000142.4:c.445+2_445+5delTAGG) has been previously observed in a patient with FGFR3-related conditions (PMID: 28252636) and reported to ClinVar (Accession ID: VCV000533894.5) as ‘variant of uncertain significance’. In-silico pathogenicity prediction programs like MutationTaster2, CADD. Varsome, Franklin etc. predicted this variant to be likely deleterious. Algorithms developed to predict the effect of sequence changes on RNA splicing suggest that this variant disrupts the consensus splice site, however these predictions were not confirmed by any published functional studies.

Breakthrough Genomics
Classification: Uncertain significance. Review status: criteria provided, single submitter. Criteria: ACMG Guidelines, 2015. Collection method: not provided. Allele origin: germline. Inheritance: Autosomal recessive inheritance. Affected: yes.

Literature cited by the submitters: PubMed 35527416 (cited by Genomenon, Inc); PubMed 28252636 (cited by 3 submitters); PubMed 16199547 (cited by Labcorp Genetics (formerly Invitae), Labcorp).

NM_000142.5(FGFR3):c.445+2_445+5del

Gene: FGFR3 (fibroblast growth factor receptor 3; plus strand). Cytogenetic location: 4p16.3.
Variant type: Deletion.
Coding change: c.445+2_445+5del on transcript NM_000142.5 (MANE Select); the canonical splice donor site of the intron after coding-DNA position 445 through 5 bases into the intron after coding-DNA position 445, 4 bases deleted (TAGG; older notation c.445+2_445+5delTAGG).
Molecular consequence: splice donor variant.
Genome position (GRCh38, 1-based): chr4:1,799,814-1,799,817, TAGG deleted; deleting any 4 consecutive bases within chr4:1,799,811-1,799,817 gives the same sequence; the c. name uses the placement nearest the transcript's 3' end. VCF-style (leftmost placement, unchanged base first): chr4-1799810-CAGGT-C. GRCh37 (hg19) VCF-style: chr4-1801537-CAGGT-C.
Other names: c.444_445+2delAGGT (NM_000142.5); c.445+2_445+5del (NM_000142.4, NM_001163213.2, NM_001354809.2 and 2 more transcripts); c.445+2_445+5delTAGG (NM_000142.4).
Identifiers: ClinVar variation 533894 (VCV000533894.19), dbSNP rs756854039, ClinGen allele CA2809819.